The following is an entry in ClinVar:

NM_005859.5(PURA):c.66G>C (p.Gly22=)

Gene: PURA (purine rich element binding protein A; plus strand). Cytogenetic location: 5q31.3.
Variant type: single nucleotide variant.
Coding change: c.66G>C on transcript NM_005859.5 (MANE Select); coding-DNA position 66, G replaced by C.
Protein change: p.Gly22=; no amino-acid change (glycine 22 retained).
Molecular consequence: synonymous variant.
Genome position (GRCh38, 1-based): chr5:140,114,247, G>C. VCF-style: chr5-140114247-G-C. GRCh37 (hg19) VCF-style: chr5-139493832-G-C.
Identifiers: ClinVar variation 2803273 (VCV002803273.3), dbSNP rs2479503842, ClinGen allele CA446758363.
Genomic context (GRCh38, chr5:140,114,247, plus strand): 5'-GGACCGAGACAGCGGCAGCGAGCAGGGTGGTGCGGCGCTGGGTTCGGGCGGCTCCCTGGG[G>C]CACCCCGGCTCGGGCTCAGGCTCCGGCGGGGGCGGTGGTGGCGGCGGGGGCGGCGGCGGC-3'
Protein context (NP_005850.1, residues 12-32): GAALGSGGSL[Gly22=]HPGSGSGSGG

ClinVar aggregate classification (germline): Uncertain significance (1 of 4 stars; one submission).

Conditions:
PURA-related severe neonatal hypotonia-seizures-encephalopathy syndrome (NEDRIHF). Also called: NEURODEVELOPMENTAL DISORDER WITH NEONATAL RESPIRATORY INSUFFICIENCY, HYPOTONIA, AND FEEDING DIFFICULTIES; PURA-Related Neurodevelopmental Disorders. Identifiers: Orphanet 438213, Orphanet 438216, MedGen C4015357, MONDO:1060108, OMIM 616158, MONDO:0018580.

Submission:

Labcorp Genetics (formerly Invitae), Labcorp
Classification: Uncertain significance for PURA-related severe neonatal hypotonia-seizures-encephalopathy syndrome. Last evaluated: 2022-11-16. Review status: criteria provided, single submitter. Criteria: Invitae Variant Classification Sherloc (09022015). Collection method: clinical testing. Allele origin: germline.
Comment: In summary, the available evidence is currently insufficient to determine the role of this variant in disease. Therefore, it has been classified as a Variant of Uncertain Significance. This variant has not been reported in the literature in individuals affected with PURA-related conditions. The frequency data for this variant in the population databases is considered unreliable, as metrics indicate insufficient coverage at this position in the gnomAD database. This sequence change affects codon 22 of the PURA mRNA. It is a 'silent' change, meaning that it does not change the encoded amino acid sequence of the PURA protein.